The following is an entry in ClinVar:

NM_182548.4(LHFPL5):c.615G>C (p.Lys205Asn)

Gene: LHFPL5 (LHFPL tetraspan subfamily member 5; plus strand). Cytogenetic location: 6p21.31.
Variant type: single nucleotide variant.
Coding change: c.615G>C on transcript NM_182548.4 (MANE Select); coding-DNA position 615, G replaced by C.
Protein change: p.Lys205Asn; replaces lysine 205 with asparagine.
Molecular consequence: missense variant.
Genome position (GRCh38, 1-based): chr6:35,814,748, G>C. VCF-style: chr6-35814748-G-C. GRCh37 (hg19) VCF-style: chr6-35782525-G-C.
Other names: short protein forms K205N.
Identifiers: ClinVar variation 163858 (VCV000163858.18), dbSNP rs149081163, ClinGen allele CA176574.

ClinVar aggregate classification (germline): Likely benign. Review status: criteria provided, multiple submitters, no conflicts (2 of 4 stars). 4 submissions from 4 submitters: Likely benign (3). 1 of the submissions does not count toward it. Last evaluated 2025-02-18.

Conditions:
LHFPL5-related disorder. Also called: LHFPL5-related condition.

Allele frequency attached by ClinVar (database versions not stated): ESP Exome Variant Server 0.00054; gnomAD 0.00054; TOPMed 0.00061; 1000 Genomes Project 0.00140; 1000 Genomes Project 30x 0.00156.
gnomAD v4.1: 153 of 1,614,164 alleles (0.0095%); highest among the groups gnomAD compares: African/African-American, 0.19%; 1 homozygote.

Submissions (4):

Labcorp Genetics (formerly Invitae), Labcorp
Classification: Likely benign. Last evaluated: 2025-02-18. Review status: criteria provided, single submitter. Criteria: Invitae Variant Classification Sherloc (09022015). Collection method: clinical testing. Allele origin: germline.

GeneDx
Classification: Likely benign. Last evaluated: 2020-12-22. Review status: criteria provided, single submitter. Criteria: GeneDx Variant Classification Process June 2021. Collection method: clinical testing. Allele origin: germline. Affected: yes.

Laboratory for Molecular Medicine, Mass General Brigham Personalized Medicine
Classification: Likely benign. Last evaluated: 2014-03-25. Review status: criteria provided, single submitter. Criteria: LMM Criteria. Collection method: clinical testing. Allele origin: germline. Observed: 1 variant allele.
Comment: Lys205Asn in exon 2 of LHFPL5: This variant is not expected to have clinical sig nificance because it has been identified in 1.7% (3/176) of Yoruba chromosomes b y the 1000 Genomes Project (dbSNP rs149081163). This variant was also identifie d in 0.2% (7/4406) of African American chromosomes by the NHLBI Exome Sequencing Project.

PreventionGenetics, part of Exact Sciences
Classification: Likely benign for LHFPL5-related condition. Last evaluated: 2023-03-06. Review status: no assertion criteria provided. Collection method: clinical testing. Allele origin: germline. Not counted in ClinVar's aggregate classification.
Comment: This variant is classified as likely benign based on ACMG/AMP sequence variant interpretation guidelines (Richards et al. 2015 PMID: 25741868, with internal and published modifications).